The following is an entry in ClinVar:

NM_004385.5(VCAN):c.8695G>A (p.Glu2899Lys)

Genes: VCAN (versican; plus strand), VCAN-AS1 (VCAN antisense RNA 1; minus strand). Cytogenetic location: 5q14.3.
Variant type: single nucleotide variant.
Coding change: c.8695G>A on transcript NM_004385.5 (MANE Select); coding-DNA position 8695, G replaced by A.
Protein change: p.Glu2899Lys; replaces glutamic acid 2899 with lysine.
Molecular consequence: missense variant. On other transcripts: intron variant (2).
Genome position (GRCh38, 1-based): chr5:83,541,698, G>A. VCF-style: chr5-83541698-G-A. GRCh37 (hg19) VCF-style: chr5-82837517-G-A.
Other names: c.5734G>A, p.Glu1912Lys (NM_001164097.2); c.4004-3839G>A (NM_001164098.2); c.1043-3839G>A (NM_001126336.3); short protein forms E1912K, E2899K.
Identifiers: ClinVar variation 939552 (VCV000939552.9), dbSNP rs754282657, ClinGen allele CA3333852.
Genomic context (GRCh38, chr5:83,541,698, plus strand): 5'-TCAAGTGAGGAATACCTTCACATAACTGAGCCTCCCTCTTTATCTCCTGACACAAAATTA[G>A]AACCTTCAGAAGATGATGGTAAACCTGAGTTATTAGAAGAAATGGAAGCTTCTCCCACAG-3'
Protein context (NP_004376.2, residues 2889-2909): PPSLSPDTKL[Glu2899Lys]PSEDDGKPEL

ClinVar aggregate classification (germline): Uncertain significance. Review status: criteria provided, multiple submitters, no conflicts (2 of 4 stars). 3 submissions from 3 submitters: Uncertain significance (3). Last evaluated 2024-10-31.

Allele frequency attached by ClinVar (database versions not stated): gnomAD 0.00001; TOPMed 0.00003; gnomAD exomes 0.00004 and 0.00005; ExAC 0.00007.
gnomAD v4.1: 62 of 1,613,870 alleles (0.0038%); highest among the groups gnomAD compares: Middle Eastern, 0.13%; no homozygotes.

Submissions (3):

Blueprint Genetics
Classification: Uncertain significance. Last evaluated: 2024-10-31. Review status: criteria provided, single submitter. Criteria: ACMG Guidelines, 2015. Collection method: clinical testing. Allele origin: germline.

Labcorp Genetics (formerly Invitae), Labcorp
Classification: Uncertain significance. Last evaluated: 2024-08-29. Review status: criteria provided, single submitter. Criteria: Invitae Variant Classification Sherloc (09022015). Collection method: clinical testing. Allele origin: germline.
Comment: This sequence change replaces glutamic acid, which is acidic and polar, with lysine, which is basic and polar, at codon 2899 of the VCAN protein (p.Glu2899Lys). This variant is present in population databases (rs754282657, gnomAD 0.009%). This variant has not been reported in the literature in individuals affected with VCAN-related conditions. ClinVar contains an entry for this variant (Variation ID: 939552). An algorithm developed to predict the effect of missense changes on protein structure and function (PolyPhen-2) suggests that this variant is likely to be tolerated. In summary, the available evidence is currently insufficient to determine the role of this variant in disease. Therefore, it has been classified as a Variant of Uncertain Significance.

Breakthrough Genomics
Classification: Uncertain significance. Review status: criteria provided, single submitter. Criteria: ACMG Guidelines, 2015. Collection method: not provided. Allele origin: germline. Inheritance: Autosomal dominant inheritance. Affected: yes.